The following is an entry in ClinVar:

NM_004187.5(KDM5C):c.2823A>G (p.Ser941=)

Gene: KDM5C (lysine demethylase 5C; minus strand). Cytogenetic location: Xp11.22.
Variant type: single nucleotide variant.
Coding change: c.2823A>G on transcript NM_004187.5 (MANE Select); coding-DNA position 2823, A replaced by G.
Protein change: p.Ser941=; no amino-acid change (serine 941 retained).
Molecular consequence: synonymous variant. On other transcripts: non-coding transcript variant (3).
Genome position (GRCh38, 1-based): chrX:53,196,844, T>C on the plus strand (A>G on the coding strand, the complement: KDM5C is on the minus strand). VCF-style: chrX-53196844-T-C. GRCh37 (hg19) VCF-style: chrX-53226026-T-C.
Other names: c.2622A>G, p.Ser874= (NM_001146702.2); c.2820A>G, p.Ser940= (NM_001282622.3, NM_001353979.2, NM_001353982.2); c.2823A>G, p.Ser941= (NM_001353978.3, NM_001353981.2, NM_001353984.2).
Identifiers: ClinVar variation 211248 (VCV000211248.25), dbSNP rs143955805, ClinGen allele CA206148.
Genomic context (GRCh38, chrX:53,196,844, plus strand): 5'-GGCTACACTGGCACCCGCGACCAACAGTCCTCGCATGACAGCCAAGGTGCCCCTTCGGGC[T>C]GAGGGGGCCAGTGTGCGTTTCACCTCATCCAGCCATCGCGCCTGTTCCACCTGCCGCTGG-3'
Protein context (NP_004178.2, residues 931-951): LDEVKRTLAP[Ser941=]ARRGTLAVMR

ClinVar aggregate classification (germline): Benign/Likely benign. Review status: criteria provided, multiple submitters, no conflicts (2 of 4 stars). 8 submissions from 8 submitters: Benign (4); Likely benign (1). 3 of the submissions do not count toward it. Last evaluated 2026-01-12.

Conditions:
KDM5C-related disorder. Also called: KDM5C-related condition.
Spastic paraplegia. Identifiers: MedGen C0037772, HP:0001258.

Allele frequency attached by ClinVar (database versions not stated): 1000 Genomes Project 0.00026; 1000 Genomes Project 30x 0.00042; gnomAD exomes 0.00118 and 0.00131; ExAC 0.00120; gnomAD 0.00138 and 0.00143; TOPMed 0.00151; ESP Exome Variant Server 0.00161.
gnomAD v4.1: 1,463 of 1,207,911 alleles (0.12%); highest among the groups gnomAD compares: Admixed American, 0.18%; 2 homozygotes.

Submissions (8):

Labcorp Genetics (formerly Invitae), Labcorp
Classification: Benign for Spastic paraplegia. Last evaluated: 2026-01-12. Review status: criteria provided, single submitter. Criteria: Invitae Variant Classification Sherloc (09022015). Collection method: clinical testing. Allele origin: germline.

Blueprint Genetics
Classification: Likely benign. Last evaluated: 2024-11-20. Review status: criteria provided, single submitter. Criteria: ACMG Guidelines, 2015. Collection method: clinical testing. Allele origin: germline.

GeneDx
Classification: Benign. Last evaluated: 2019-10-02. Review status: criteria provided, single submitter. Criteria: GeneDx Variant Classification Process June 2021. Collection method: clinical testing. Allele origin: germline. Affected: yes.

Genetic Services Laboratory, University of Chicago
Classification: Benign. Last evaluated: 2016-03-02. Review status: criteria provided, single submitter. Criteria: ACMG Guidelines, 2015. Collection method: clinical testing. Allele origin: germline. Affected: no.

Eurofins Ntd Llc (ga)
Classification: Benign. Last evaluated: 2015-08-24. Review status: criteria provided, single submitter. Criteria: EGL Classification Definitions 2015. Collection method: clinical testing. Allele origin: germline. Observed: 1 variant allele, 1 hemizygote.

PreventionGenetics, part of Exact Sciences
Classification: Benign for KDM5C-related condition. Last evaluated: 2019-04-24. Review status: no assertion criteria provided. Collection method: clinical testing. Allele origin: germline. Not counted in ClinVar's aggregate classification.
Comment: This variant is classified as benign based on ACMG/AMP sequence variant interpretation guidelines (Richards et al. 2015 PMID: 25741868, with internal and published modifications).

Clinical Genetics DNA and cytogenetics Diagnostics Lab, Erasmus MC, Erasmus Medical Center
Classification: Benign. Review status: no assertion criteria provided. Collection method: clinical testing. Allele origin: germline. Affected: yes. Study: VKGL Data-share Consensus. Not counted in ClinVar's aggregate classification.

Genome Diagnostics Laboratory, University Medical Center Utrecht
Classification: Benign. Review status: no assertion criteria provided. Collection method: clinical testing. Allele origin: germline. Affected: yes. Study: VKGL Data-share Consensus. Not counted in ClinVar's aggregate classification.